The following is an entry in ClinVar:

NM_000143.4(FH):c.1041del (p.Gly348fs)

Gene: FH (fumarate hydratase; minus strand). Cytogenetic location: 1q43.
Variant type: Deletion.
Coding change: c.1041del on transcript NM_000143.4 (MANE Select); coding-DNA position 1041, one base deleted (T; older notation c.1041delT).
Protein change: p.Gly348fs; shifts the reading frame from glycine 348.
Molecular consequence: frameshift variant.
Genome position (GRCh38, 1-based): chr1:241,504,109, A deleted on the plus strand (T on the coding strand, the reverse complement: FH is on the minus strand). VCF-style (leftmost placement, unchanged base first): chr1-241504108-CA-C. GRCh37 (hg19) VCF-style: chr1-241667408-CA-C.
Other names: c.1041delT (NM_000143.3); short protein forms G348fs.
Identifiers: ClinVar variation 393576 (VCV000393576.15), dbSNP rs1060499641, ClinGen allele CA16609364.

ClinVar aggregate classification (germline): Pathogenic. Review status: criteria provided, multiple submitters, no conflicts (2 of 4 stars). 4 submissions from 4 submitters: Pathogenic (4). Last evaluated 2025-11-25.

Conditions:
Hereditary cancer-predisposing syndrome. Also called: Neoplastic Syndromes, Hereditary; Hereditary Cancer Syndrome; Hereditary neoplastic syndrome; Tumor predisposition. Identifiers: Orphanet 140162, MedGen C0027672, MeSH D009386, MONDO:0015356.
Hereditary leiomyomatosis and renal cell cancer. Also called: LEIOMYOMA, MULTIPLE CUTANEOUS; MULTIPLE CUTANEOUS AND UTERINE LEIOMYOMATA 1, WITH OR WITHOUT RENAL CELL CARCINOMA; Reed syndrome; Multiple cutaneous and uterine leiomyomatosis; Cutaneous leiomyomata with uterine leiomyomata; Leiomyoma, hereditary multiple, of skin. Identifiers: Orphanet 523, MedGen C1708350, MONDO:0007888, OMIM 150800, HP:0007437. Disease mechanism: loss of function.

Submissions (4):

Labcorp Genetics (formerly Invitae), Labcorp
Classification: Pathogenic. Last evaluated: 2025-11-25. Review status: criteria provided, single submitter. Criteria: Invitae Variant Classification Sherloc (09022015). Collection method: clinical testing. Allele origin: germline.
Comment: This sequence change creates a premature translational stop signal (p.Gly348Valfs*9) in the FH gene. It is expected to result in an absent or disrupted protein product. Loss-of-function variants in FH are known to be pathogenic (PMID: 11865300, 21398687). This variant is not present in population databases (gnomAD no frequency). This variant has not been reported in the literature in individuals affected with FH-related conditions. ClinVar contains an entry for this variant (Variation ID: 393576). For these reasons, this variant has been classified as Pathogenic.

Myriad Genetics, Inc.
Classification: Pathogenic for Hereditary leiomyomatosis and renal cell cancer. Last evaluated: 2024-09-10. Review status: criteria provided, single submitter. Criteria: Myriad Autosomal Dominant, Autosomal Recessive and X-Linked Classification Criteria (2023). Collection method: clinical testing. Allele origin: unknown.
Comment: This variant is considered pathogenic. This variant creates a frameshift predicted to result in premature protein truncation.

Ambry Genetics
Classification: Pathogenic for Hereditary cancer-predisposing syndrome. Last evaluated: 2023-03-27. Review status: criteria provided, single submitter. Criteria: Ambry Variant Classification Scheme 2023. Collection method: clinical testing. Allele origin: germline.
Comment: The c.1041delT pathogenic mutation, located in coding exon 7 of the FH gene, results from a deletion of one nucleotide at nucleotide position 1041, causing a translational frameshift with a predicted alternate stop codon (p.G348Vfs*9). This variant is considered to be rare based on population cohorts in the Genome Aggregation Database (gnomAD). This alteration is expected to result in loss of function by premature protein truncation or nonsense-mediated mRNA decay. As such, this alteration is interpreted as a disease-causing mutation.

Genomic Diagnostic Laboratory, Division of Genomic Diagnostics, Children's Hospital of Philadelphia
Classification: Pathogenic for Hereditary leiomyomatosis and renal cell cancer. Last evaluated: 2017-01-17. Review status: criteria provided, single submitter. Criteria: DGD Variant Analysis Guidelines. Collection method: clinical testing. Allele origin: germline. Affected: yes. Observed: 2 variant alleles.
Comment: Clinical Testing

Literature cited by the submitters: PubMed 11865300 (cited by Labcorp Genetics (formerly Invitae), Labcorp); PubMed 21398687 (cited by Labcorp Genetics (formerly Invitae), Labcorp).